The following is an entry in ClinVar:

ClinVar aggregate classification (germline): Uncertain significance. Review status: criteria provided, multiple submitters, no conflicts (2 of 4 stars). 8 submissions from 8 submitters: Uncertain significance (7). 1 of the submissions does not count toward it. Last evaluated 2025-02-03.

Conditions:
Rothmund-Thomson syndrome type 2 (RTS2). Identifiers: Orphanet 221016, MedGen C5203410, MONDO:0016369, OMIM 268400.
Rapadilino syndrome. Identifiers: Orphanet 3021, MedGen C1849453, MONDO:0009955, OMIM 266280.
Baller-Gerold syndrome (BGS). Also called: CRANIOSYNOSTOSIS WITH RADIAL DEFECTS. Identifiers: Orphanet 1225, MedGen C0265308, MONDO:0009039, OMIM 218600.
Hereditary cancer-predisposing syndrome. Also called: Tumor predisposition; Hereditary neoplastic syndrome; Neoplastic Syndromes, Hereditary; Hereditary Cancer Syndrome. Identifiers: Orphanet 140162, MedGen C0027672, MeSH D009386, MONDO:0015356.

Allele frequency attached by ClinVar (database versions not stated): gnomAD exomes 0.00012 and 0.00020; ExAC 0.00013; TOPMed 0.00016; gnomAD 0.00018 and 0.00019; 1000 Genomes Project 30x 0.00031; 1000 Genomes Project 0.00040; ESP Exome Variant Server 0.00048.
gnomAD v4.1: 311 of 1,611,976 alleles (0.019%); highest among the groups gnomAD compares: Non-Finnish European, 0.025%; 1 homozygote.

Submissions (8):

Labcorp Genetics (formerly Invitae), Labcorp
Classification: Uncertain significance for Baller-Gerold syndrome. Last evaluated: 2025-02-03. Review status: criteria provided, single submitter. Criteria: Invitae Variant Classification Sherloc (09022015). Collection method: clinical testing. Allele origin: germline.
Comment: This sequence change replaces leucine, which is neutral and non-polar, with proline, which is neutral and non-polar, at codon 566 of the RECQL4 protein (p.Leu566Pro). This variant is present in population databases (rs201648505, gnomAD 0.03%). This missense change has been observed in individual(s) with clinical features of Rothmund‚ÄìThomson Syndrome (PMID: 27247962, 32191290). ClinVar contains an entry for this variant (Variation ID: 135129). Invitae Evidence Modeling of protein sequence and biophysical properties (such as structural, functional, and spatial information, amino acid conservation, physicochemical variation, residue mobility, and thermodynamic stability) indicates that this missense variant is expected to disrupt RECQL4 protein function with a positive predictive value of 80%. In summary, the available evidence is currently insufficient to determine the role of this variant in disease. Therefore, it has been classified as a Variant of Uncertain Significance.

Mayo Clinic Laboratories, Mayo Clinic
Classification: Uncertain significance. Last evaluated: 2024-08-05. Review status: criteria provided, single submitter. Criteria: ACMG Guidelines, 2015. Collection method: clinical testing. Allele origin: germline. Observed: 1 variant allele.
Comment: PM3_supporting

Blueprint Genetics
Classification: Uncertain significance. Last evaluated: 2024-05-23. Review status: criteria provided, single submitter. Criteria: ACMG Guidelines, 2015. Collection method: clinical testing. Allele origin: germline.

GeneDx
Classification: Uncertain significance. Last evaluated: 2024-03-25. Review status: criteria provided, single submitter. Criteria: GeneDx Variant Classification Process June 2021. Collection method: clinical testing. Allele origin: germline. Affected: yes.
Comment: In silico analysis supports that this missense variant has a deleterious effect on protein structure/function; This variant is associated with the following publications: (PMID: 34869606, 27247962, 32191290, 31874108, 24728327)

Women's Health and Genetics/Laboratory Corporation of America, LabCorp
Classification: Uncertain significance. Last evaluated: 2023-10-13. Review status: criteria provided, single submitter. Criteria: LabCorp Variant Classification Summary - May 2015. Collection method: clinical testing. Allele origin: germline.
Comment: Variant summary: RECQL4 c.1697T>C (p.Leu566Pro) results in a non-conservative amino acid change in the encoded protein sequence. Three of three in-silico tools predict a damaging effect of the variant on protein function. The variant allele was found at a frequency of 0.00012 in 246650 control chromosomes (gnomAD). c.1697T>C has been reported in the literature in individuals affected with Rothmund-Thomson syndrome or osteosarcoma (Suter_2016, Mirabello_2020). These data do not allow any conclusion about variant significance. To our knowledge, no experimental evidence demonstrating an impact on protein function has been reported. Three submitters have cited clinical-significance assessments for this variant to ClinVar after 2014. The following publications have been ascertained in the context of this evaluation (PMID: 24728327, 33294214, 31874108, 32191290, 27247962, 34869606). All submitters classified the variant as uncertain significance. Based on the evidence outlined above, the variant was classified as uncertain significance.

Fulgent Genetics
Classification: Uncertain significance for Baller-Gerold syndrome; Rapadilino syndrome; Rothmund-Thomson syndrome type 2. Last evaluated: 2022-05-07. Review status: criteria provided, single submitter. Criteria: ACMG Guidelines, 2015. Collection method: clinical testing. Allele origin: unknown.

Sema4
Classification: Uncertain significance for Hereditary cancer-predisposing syndrome. Last evaluated: 2021-08-23. Review status: criteria provided, single submitter. Criteria: Sema4 Curation Guidelines. Collection method: curation. Allele origin: germline.
Comment: The RECQL4 c.1697T>C (p.L566P) variant has been reported as compound heterozygous in at least one individual with Rothmund-Thomson syndrome (PMID: 27247962). It was observed in 35/126860 chromosomes of the Non-Finnish European subpopulation, including no homozygotes, in the large and broad cohorts of the Genome Aggregation Database (PMID: 32461654). The variant has been reported in ClinVar (Variation ID: 135129). In silico tools suggest the impact of the variant on protein function is deleterious, though these predictions have not been confirmed by functional studies. The evidence is insufficient to meet ACMG/AMP criteria for classifying the variant as benign or pathogenic. Thus, the clinical significance of this variant is currently uncertain.

ITMI
No classification provided. Condition: AllHighlyPenetrant. Last evaluated: 2013-09-19. Review status: no classification provided. Collection method: reference population. Allele origin: germline. Not counted in ClinVar's aggregate classification.
Comment: Please see associated publication for description of ethnicities

Literature cited by the submitters: PubMed 27247962 (cited by 4 submitters); PubMed 32191290 (cited by 3 submitters); PubMed 24728327 (cited by Women's Health and Genetics/Laboratory Corporation of America, LabCorp and ITMI); PubMed 31874108 (cited by Women's Health and Genetics/Laboratory Corporation of America, LabCorp); PubMed 33294214 (cited by Women's Health and Genetics/Laboratory Corporation of America, LabCorp); PubMed 34869606 (cited by Women's Health and Genetics/Laboratory Corporation of America, LabCorp).

NM_004260.4(RECQL4):c.1697T>C (p.Leu566Pro)

Gene: RECQL4 (RecQ like helicase 4; minus strand). Cytogenetic location: 8q24.3.
Variant type: single nucleotide variant.
Coding change: c.1697T>C on transcript NM_004260.4 (MANE Select); coding-DNA position 1697, T replaced by C.
Protein change: p.Leu566Pro; replaces leucine 566 with proline.
Molecular consequence: missense variant.
Genome position (GRCh38, 1-based): chr8:144,514,449, A>G on the plus strand (T>C on the coding strand, the complement: RECQL4 is on the minus strand). VCF-style: chr8-144514449-A-G. GRCh37 (hg19) VCF-style: chr8-145739833-A-G.
Other names: p.Leu566Pro; short protein forms L566P.
Identifiers: ClinVar variation 135129 (VCV000135129.14), dbSNP rs201648505, ClinGen allele CA161815.